The following is an entry in ClinVar:

ClinVar aggregate classification (germline): Likely benign. Review status: criteria provided, multiple submitters, no conflicts (2 of 4 stars). 4 submissions from 4 submitters: Likely benign (3). 1 of the submissions does not count toward it. Last evaluated 2025-11-19.

Conditions:
ABCA4-related disorder. Also called: ABCA4-related condition; ABCA4-related disorders. Identifiers: MedGen CN239167.

Allele frequency attached by ClinVar (database versions not stated): gnomAD exomes 0.00004 and 0.00012; ExAC 0.00013; gnomAD 0.00034 and 0.00036; TOPMed 0.00040; ESP Exome Variant Server 0.00046; 1000 Genomes Project 30x 0.00047; 1000 Genomes Project 0.00060.
gnomAD v4.1: 117 of 1,614,184 alleles (0.0072%); highest among the groups gnomAD compares: African/African-American, 0.13%; no homozygotes.

Submissions (4):

Labcorp Genetics (formerly Invitae), Labcorp
Classification: Likely benign. Last evaluated: 2025-11-19. Review status: criteria provided, single submitter. Criteria: Invitae Variant Classification Sherloc (09022015). Collection method: clinical testing. Allele origin: germline.

Blueprint Genetics
Classification: Likely benign. Last evaluated: 2024-11-06. Review status: criteria provided, single submitter. Criteria: ACMG Guidelines, 2015. Collection method: clinical testing. Allele origin: germline.

Breakthrough Genomics
Classification: Likely benign. Review status: criteria provided, single submitter. Criteria: ACMG Guidelines, 2015. Collection method: not provided. Allele origin: germline. Inheritance: Autosomal recessive inheritance. Affected: yes.

PreventionGenetics, part of Exact Sciences
Classification: Likely benign for ABCA4-related condition. Last evaluated: 2021-06-16. Review status: no assertion criteria provided. Collection method: clinical testing. Allele origin: germline. Not counted in ClinVar's aggregate classification.
Comment: This variant is classified as likely benign based on ACMG/AMP sequence variant interpretation guidelines (Richards et al. 2015 PMID: 25741868, with internal and published modifications).

NM_000350.3(ABCA4):c.3636T>A (p.Val1212=)

Genes: ABCA4 (ATP binding cassette subfamily A member 4; minus strand), LOC126805794 (BRD4-independent group 4 enhancer GRCh37_chr1:94502188-94503387; plus strand). Cytogenetic location: 1p22.1.
Variant type: single nucleotide variant.
Coding change: c.3636T>A on transcript NM_000350.3 (MANE Select); coding-DNA position 3636, T replaced by A.
Protein change: p.Val1212=; no amino-acid change (valine 1212 retained).
Molecular consequence: synonymous variant.
Genome position (GRCh38, 1-based): chr1:94,037,322, A>T on the plus strand (T>A on the coding strand, the complement: ABCA4 is on the minus strand). VCF-style: chr1-94037322-A-T. GRCh37 (hg19) VCF-style: chr1-94502878-A-T.
Other names: c.3414T>A, p.Val1138= (NM_001425324.1).
Identifiers: ClinVar variation 1102348 (VCV001102348.13), dbSNP rs146567465, ClinGen allele CA957862.